The following is an entry in ClinVar:

NM_000138.5(FBN1):c.1885G>T (p.Val629Phe)

Gene: FBN1 (fibrillin 1; minus strand). Cytogenetic location: 15q21.1.
Variant type: single nucleotide variant.
Coding change: c.1885G>T on transcript NM_000138.5 (MANE Select); coding-DNA position 1885, G replaced by T.
Protein change: p.Val629Phe; replaces valine 629 with phenylalanine.
Molecular consequence: missense variant.
Genome position (GRCh38, 1-based): chr15:48,505,100, C>A on the plus strand (G>T on the coding strand, the complement: FBN1 is on the minus strand). VCF-style: chr15-48505100-C-A. GRCh37 (hg19) VCF-style: chr15-48797297-C-A.
Other names: c.1885G>T, p.Val629Phe (NM_001406716.1); short protein forms V629F.
Identifiers: ClinVar variation 3603137 (VCV003603137.1).

ClinVar aggregate classification (germline): Uncertain significance (1 of 4 stars; one submission).

Submission:

GeneDx
Classification: Uncertain significance. Last evaluated: 2024-08-05. Review status: criteria provided, single submitter. Criteria: GeneDx Variant Classification Process June 2021. Collection method: clinical testing. Allele origin: germline. Affected: yes.
Comment: Not observed at significant frequency in large population cohorts (gnomAD); In silico analysis supports that this missense variant has a deleterious effect on protein structure/function; Has not been previously published as pathogenic or benign to our knowledge; Does not affect a cysteine or calcium-binding residue within an EGF-like domain or a TGF-binding protein domain of the FBN1 gene; cysteine substitutions in the EGF-like domains represent the majority of pathogenic missense changes associated with FBN1-related disorders (PMID: 12938084); This variant is associated with the following publications: (PMID: 12938084)